The following is an entry in ClinVar:

ClinVar aggregate classification (germline): Pathogenic (1 of 4 stars; one submission).

Conditions:
Global developmental delay with or without impaired intellectual development. Identifiers: MedGen C5193032, MONDO:0032680, OMIM 618330.

Submission:

Institute of Human Genetics, University of Leipzig Medical Center
Classification: Pathogenic for Global developmental delay with or without impaired intellectual development. Last evaluated: 2022-12-19. Review status: criteria provided, single submitter. Criteria: ACMG Guidelines, 2015. Collection method: clinical testing. Allele origin: de novo. Affected: yes.
Comment: Criteria applied: PVS1, PS2_Moderate, PM2_Supporting

NM_181552.4(CUX1):c.538C>T (p.Gln180Ter)

Gene: CUX1 (cut like homeobox 1; plus strand). Cytogenetic location: 7q22.1.
Variant type: single nucleotide variant.
Coding change: c.538C>T on transcript NM_181552.4 (MANE Select); coding-DNA position 538, C replaced by T.
Protein change: p.Gln180Ter; replaces glutamine 180 with a stop codon.
Molecular consequence: nonsense.
Genome position (GRCh38, 1-based): chr7:102,111,705, C>T. VCF-style: chr7-102111705-C-T. GRCh37 (hg19) VCF-style: chr7-101754985-C-T.
Other names: c.571C>T, p.Gln191Ter (NM_001202543.2, NM_001913.5, NM_181500.4); c.523C>T, p.Gln175Ter (NM_001202544.3); c.433C>T, p.Gln145Ter (NM_001202545.3); c.460C>T, p.Gln154Ter (NM_001202546.3); short protein forms Q145*, Q154*, Q175*, Q180*, Q191*.
Identifiers: ClinVar variation 1803938 (VCV001803938.1), dbSNP rs2536825046, ClinGen allele CA368665925.
Genomic context (GRCh38, chr7:102,111,705, plus strand): 5'-ATTTCAGTTGGTAAAGGAGATGACCAATTTGGCTTCGTCCTCTTCCTTTGCAGAAAGCTG[C>T]AGGAGACACAGATGTCCACCACCTCAAAGCTGGAGGAAGCTGAGCATAAGGTTCAGAGCC-3'